The following is an entry in ClinVar:

NM_001379081.2(FREM1):c.4243A>G (p.Thr1415Ala)

Gene: FREM1 (FRAS1 related extracellular matrix 1; minus strand). Cytogenetic location: 9p22.3.
Variant type: single nucleotide variant.
Coding change: c.4243A>G on transcript NM_001379081.2 (MANE Select); coding-DNA position 4243, A replaced by G.
Protein change: p.Thr1415Ala; replaces threonine 1415 with alanine.
Molecular consequence: missense variant. On other transcripts: non-coding transcript variant (1).
Genome position (GRCh38, 1-based): chr9:14,784,569, T>C on the plus strand (A>G on the coding strand, the complement: FREM1 is on the minus strand). VCF-style: chr9-14784569-T-C. GRCh37 (hg19) VCF-style: chr9-14784567-T-C.
Other names: c.4243A>G, p.Thr1415Ala (NM_144966.7); short protein forms T1415A.
Identifiers: ClinVar variation 1371279 (VCV001371279.6), dbSNP rs2132862989, ClinGen allele CA372966315.
Genomic context (GRCh38, chr9:14,784,569, plus strand): 5'-AGGTGATGACATAGAGCAGTTCCTCAGGCTTGTCTGTTCCGTCCACAGCCAGGAGCGTGG[T>C]GGTTGTTAAGAAACCTCTATCACCTTTAGACACCACGAGTGGTTTTGTAAGGATGACAAT-3'
Protein context (NP_001366010.1, residues 1405-1425): SKGDRGFLTT[Thr1415Ala]TLLAVDGTDK

ClinVar aggregate classification (germline): Uncertain significance (1 of 4 stars; one submission).

Submission:

Labcorp Genetics (formerly Invitae), Labcorp
Classification: Uncertain significance. Last evaluated: 2022-11-08. Review status: criteria provided, single submitter. Criteria: Invitae Variant Classification Sherloc (09022015). Collection method: clinical testing. Allele origin: germline.
Comment: In summary, the available evidence is currently insufficient to determine the role of this variant in disease. Therefore, it has been classified as a Variant of Uncertain Significance. Advanced modeling of protein sequence and biophysical properties (such as structural, functional, and spatial information, amino acid conservation, physicochemical variation, residue mobility, and thermodynamic stability) performed at Invitae indicates that this missense variant is not expected to disrupt FREM1 protein function. ClinVar contains an entry for this variant (Variation ID: 1371279). This variant has not been reported in the literature in individuals affected with FREM1-related conditions. This variant is not present in population databases (gnomAD no frequency). This sequence change replaces threonine, which is neutral and polar, with alanine, which is neutral and non-polar, at codon 1415 of the FREM1 protein (p.Thr1415Ala).